The following is an entry in ClinVar:

ClinVar aggregate classification (germline): Conflicting classifications of pathogenicity. Review status: criteria provided, conflicting classifications (1 of 4 stars). 10 submissions from 6 submitters: Uncertain significance (8); Benign (2). Last evaluated 2026-01-07.

Conditions:
Dilated cardiomyopathy 1G (CMD1G). Identifiers: Orphanet 154, MedGen C1858763, MONDO:0011400, OMIM 604145.
Hypertrophic cardiomyopathy 9. Also called: Familial hypertrophic cardiomyopathy 9. Identifiers: MedGen C1861065, MONDO:0013412, OMIM 613765.
Myopathy, myofibrillar, 9, with early respiratory failure (MFM9). Also called: MYOPATHY, PROXIMAL, WITH EARLY RESPIRATORY MUSCLE INVOLVEMENT; Hereditary myopathy with early respiratory failure; Myopathy, distal, with early respiratory failure, autosomal dominant; EDSTROM MYOPATHY. Identifiers: Orphanet 178464, Orphanet 34521, MedGen C1863599, MONDO:0011362, OMIM 603689.
Autosomal recessive limb-girdle muscular dystrophy type 2J (LGMDR10). Also called: Limb-girdle muscular dystrophy, type 2J; MUSCULAR DYSTROPHY, LIMB-GIRDLE, AUTOSOMAL RECESSIVE 10. Identifiers: Orphanet 140922, MedGen C1837342, MONDO:0012127, OMIM 608807.
Early-onset myopathy with fatal cardiomyopathy (CMYO5). Also called: Salih Myopathy; CONGENITAL MYOPATHY 5 WITH CARDIOMYOPATHY. Identifiers: Orphanet 289377, MedGen C2673677, MONDO:0012714, OMIM 611705. Disease mechanism: loss of function.
TTN-related disorder. Also called: TTN-related disorders; TTN-related condition; TTN-related disease.
Cardiomyopathy (CMYO). Also called: Cardiomyopathies. Identifiers: Orphanet 167848, MedGen C0878544, MONDO:0004994, HP:0001638. Inheritance: Various modes of inheritance.
Tibial muscular dystrophy (TMD). Also called: UDD MYOPATHY; Tibial muscular dystrophy, tardive; Udd Distal Myopathy – Tibial Muscular Dystrophy. Identifiers: Orphanet 609, MedGen C1838244, MONDO:0010870, OMIM 600334.

Allele frequency attached by ClinVar (database versions not stated): ExAC 0.00003; gnomAD 0.00003 and 0.00004; gnomAD exomes 0.00003 and 0.00004; TOPMed 0.00004.
gnomAD v4.1: 71 of 1,610,518 alleles (0.0044%); highest among the groups gnomAD compares: African/African-American, 0.0053%; no homozygotes.

Submissions (10):

PreventionGenetics, part of Exact Sciences
Classification: Uncertain significance for TTN-related condition. Last evaluated: 2026-01-07. Review status: criteria provided, single submitter. Criteria: ACMG Guidelines, 2015. Collection method: clinical testing. Allele origin: germline.
Comment: The TTN c.99310C>T variant is predicted to result in the amino acid substitution p.Arg33104Cys. This variant has been observed in an individual from a cohort of cases with sudden cardiac death in the young (SD, cardiac autopsy), and reported as a variant of uncertain significance (Iglesias et al. 2021. PubMed ID: 33919104). This variant is reported in 0.017% of alleles in individuals of East Asian descent in gnomAD. At this time, the clinical significance of this variant is uncertain due to the absence of conclusive functional and genetic evidence.

New York Genome Center
Classification: Uncertain significance for Dilated cardiomyopathy 1G; Hypertrophic cardiomyopathy 9. Last evaluated: 2022-12-08. Review status: criteria provided, single submitter. Criteria: NYGC Assertion Criteria 2020. Collection method: clinical testing. Allele origin: germline. Observed: 1 variant allele.

Mayo Clinic Laboratories, Mayo Clinic
Classification: Uncertain significance. Last evaluated: 2020-08-18. Review status: criteria provided, single submitter. Criteria: ACMG Guidelines, 2015. Collection method: clinical testing. Allele origin: germline. Observed: 1 variant allele.

CHEO Genetics Diagnostic Laboratory, Children's Hospital of Eastern Ontario
Classification: Uncertain significance for Cardiomyopathy. Last evaluated: 2019-11-07. Review status: criteria provided, single submitter. Criteria: ACMG Guidelines, 2015. Collection method: clinical testing. Allele origin: germline.

Illumina Laboratory Services, Illumina
Classification: Benign for Myopathy, myofibrillar, 9, with early respiratory failure. Last evaluated: 2018-01-13. Review status: criteria provided, single submitter. Criteria: ICSL Variant Classification Criteria 13 December 2019. Collection method: clinical testing. Allele origin: germline.
Comment: This variant was observed in the ICSL laboratory as part of a predisposition screen in an ostensibly healthy population. It had not been previously curated by ICSL or reported in the Human Gene Mutation Database (HGMD: prior to June 1st, 2018), and was therefore a candidate for classification through an automated scoring system. Utilizing variant allele frequency, disease prevalence and penetrance estimates, and inheritance mode, an automated score was calculated to assess if this variant is too frequent to cause the disease. Based on the score and internal cut-off values, a variant classified as benign is not then subjected to further curation. The score for this variant resulted in a classification of benign for this disease.

Illumina Laboratory Services, Illumina
Classification: Benign for Tibial muscular dystrophy. Last evaluated: 2018-01-13. Review status: criteria provided, single submitter. Criteria: ICSL Variant Classification Criteria 13 December 2019. Collection method: clinical testing. Allele origin: germline.
Comment: the same text as in the submission from Illumina Laboratory Services, Illumina above.

Illumina Laboratory Services, Illumina
Classification: Uncertain significance for Autosomal recessive limb-girdle muscular dystrophy type 2J. Last evaluated: 2018-01-13. Review status: criteria provided, single submitter. Criteria: ICSL Variant Classification Criteria 13 December 2019. Collection method: clinical testing. Allele origin: germline.

Illumina Laboratory Services, Illumina
Classification: Uncertain significance for Dilated cardiomyopathy 1G. Last evaluated: 2018-01-13. Review status: criteria provided, single submitter. Criteria: ICSL Variant Classification Criteria 13 December 2019. Collection method: clinical testing. Allele origin: germline.

Illumina Laboratory Services, Illumina
Classification: Uncertain significance for Early-onset myopathy with fatal cardiomyopathy. Last evaluated: 2018-01-13. Review status: criteria provided, single submitter. Criteria: ICSL Variant Classification Criteria 13 December 2019. Collection method: clinical testing. Allele origin: germline.

Labcorp Genetics (formerly Invitae), Labcorp
Classification: Uncertain significance for Dilated cardiomyopathy 1G; Autosomal recessive limb-girdle muscular dystrophy type 2J. Last evaluated: 2016-05-20. Review status: criteria provided, single submitter. Criteria: Invitae Variant Classification Sherloc (09022015). Collection method: clinical testing. Allele origin: germline.

NM_001267550.2(TTN):c.99310C>T (p.Arg33104Cys)

Genes: TTN (titin; minus strand), TTN-AS1 (TTN antisense RNA 1; plus strand). Cytogenetic location: 2q31.2.
Variant type: single nucleotide variant.
Coding change: c.99310C>T on transcript NM_001267550.2 (MANE Select); coding-DNA position 99310, C replaced by T.
Protein change: p.Arg33104Cys; replaces arginine 33104 with cysteine.
Molecular consequence: missense variant.
Genome position (GRCh38, 1-based): chr2:178,537,897, G>A on the plus strand (C>T on the coding strand, the complement: TTN is on the minus strand). VCF-style: chr2-178537897-G-A. GRCh37 (hg19) VCF-style: chr2-179402624-G-A.
Other names: c.94387C>T, p.Arg31463Cys (NM_001256850.1); c.72115C>T, p.Arg24039Cys (NM_003319.4); c.91606C>T, p.Arg30536Cys (NM_133378.4); c.72490C>T, p.Arg24164Cys (NM_133432.3); c.72691C>T, p.Arg24231Cys (NM_133437.4); short protein forms R30536C, R33104C, R24039C, R24164C, R31463C, R24231C.
Identifiers: ClinVar variation 332708 (VCV000332708.15), dbSNP rs766169253, ClinGen allele CA1986202.
Genomic context (GRCh38, chr2:178,537,897, plus strand): 5'-TCTGGCATGAGAGTTGAGCAGCTTCACCCAATTTTGTGGTAACATCCTTCATTTCTTTGC[G>A]TATTCCTGGGGCCTCTCCAGCTGAACAATATGAAAGATAATATTAAGTGACTGTTAATAC-3'
Protein context (NP_001254479.2, residues 33094-33114): KLTSGEAPGI[Arg33104Cys]KEMKDVTTKL